The following is an entry in ClinVar:

ClinVar aggregate classification (germline): Pathogenic (1 of 4 stars; one submission).

Conditions:
Aicardi-Goutieres syndrome 4. Identifiers: Orphanet 51, MedGen C1835912, MONDO:0012472, OMIM 610333.

Allele frequency attached by ClinVar (database versions not stated): gnomAD exomes below 0.00001.
gnomAD v4.1: 2 of 1,573,618 alleles (0.00013%); highest among the groups gnomAD compares: South Asian, 0.0012%; no homozygotes.

Submission:

Labcorp Genetics (formerly Invitae), Labcorp
Classification: Pathogenic for Aicardi-Goutieres syndrome 4. Last evaluated: 2023-04-17. Review status: criteria provided, single submitter. Criteria: Invitae Variant Classification Sherloc (09022015). Collection method: clinical testing. Allele origin: germline.
Comment: This sequence change creates a premature translational stop signal (p.Glu5*) in the RNASEH2A gene. It is expected to result in an absent or disrupted protein product. Loss-of-function variants in RNASEH2A are known to be pathogenic (PMID: 21454563, 25274781). This variant is not present in population databases (gnomAD no frequency). For these reasons, this variant has been classified as Pathogenic. This variant has not been reported in the literature in individuals affected with RNASEH2A-related conditions.

Literature cited by the submitters: PubMed 21454563; PubMed 25274781.

NM_006397.3(RNASEH2A):c.13G>T (p.Glu5Ter)

Genes: RNASEH2A (ribonuclease H2 subunit A; plus strand), LOC117038795 (CRISPRi-FlowFISH-validated PRDX2 regulatory element 4; plus strand). Cytogenetic location: 19p13.13.
Variant type: single nucleotide variant.
Coding change: c.13G>T on transcript NM_006397.3 (MANE Select); coding-DNA position 13, G replaced by T.
Protein change: p.Glu5Ter; replaces glutamic acid 5 with a stop codon.
Molecular consequence: nonsense.
Genome position (GRCh38, 1-based): chr19:12,806,686, G>T. VCF-style: chr19-12806686-G-T. GRCh37 (hg19) VCF-style: chr19-12917500-G-T.
Other names: short protein forms E5*.
Identifiers: ClinVar variation 2786566 (VCV002786566.3), dbSNP rs867179008, ClinGen allele CA305492095.
Genomic context (GRCh38, chr19:12,806,686, plus strand): 5'-GCTCCTGCAGTATTAGTTCTTGCAGCTGGTGGTGGCGGCTGAGGCGGCATGGATCTCAGC[G>T]AGCTGGAGAGAGACAATACAGGCCGCTGTCGCCTGAGTTCGCCTGTGCCCGCGGTGTGCC-3'